The following is an entry in ClinVar:

ClinVar aggregate classification (germline): Uncertain significance. Review status: criteria provided, multiple submitters, no conflicts (2 of 4 stars). 2 submissions from 2 submitters: Uncertain significance (2). Last evaluated 2023-04-11.

Conditions:
Carnitine palmitoyltransferase II deficiency. Also called: Carnitine Palmitoyltransferase 2 Deficiency. Identifiers: Orphanet 157, MedGen C0342790, MONDO:0015515.

Allele frequency attached by ClinVar (database versions not stated): gnomAD exomes below 0.00001; gnomAD 0.00002; TOPMed 0.00002.

Submissions (2):

Revvity Omics, Revvity
Classification: Uncertain significance. Last evaluated: 2023-04-11. Review status: criteria provided, single submitter. Criteria: ACMG Guidelines, 2015. Collection method: clinical testing. Allele origin: germline.

Labcorp Genetics (formerly Invitae), Labcorp
Classification: Uncertain significance for Carnitine palmitoyltransferase II deficiency. Last evaluated: 2021-10-05. Review status: criteria provided, single submitter. Criteria: Invitae Variant Classification Sherloc (09022015). Collection method: clinical testing. Allele origin: germline.
Comment: This sequence change replaces alanine with threonine at codon 465 of the CPT2 protein (p.Ala465Thr). The alanine residue is moderately conserved and there is a small physicochemical difference between alanine and threonine. This variant is not present in population databases (ExAC no frequency). This variant has not been reported in the literature in individuals affected with CPT2-related conditions. Advanced modeling of protein sequence and biophysical properties (such as structural, functional, and spatial information, amino acid conservation, physicochemical variation, residue mobility, and thermodynamic stability) performed at Invitae indicates that this missense variant is expected to disrupt CPT2 protein function. In summary, the available evidence is currently insufficient to determine the role of this variant in disease. Therefore, it has been classified as a Variant of Uncertain Significance.

NM_000098.3(CPT2):c.1393G>A (p.Ala465Thr)

Gene: CPT2 (carnitine palmitoyltransferase 2; plus strand). Cytogenetic location: 1p32.3.
Variant type: single nucleotide variant.
Coding change: c.1393G>A on transcript NM_000098.3 (MANE Select); coding-DNA position 1393, G replaced by A.
Protein change: p.Ala465Thr; replaces alanine 465 with threonine.
Molecular consequence: missense variant.
Genome position (GRCh38, 1-based): chr1:53,211,067, G>A. VCF-style: chr1-53211067-G-A. GRCh37 (hg19) VCF-style: chr1-53676739-G-A.
Other names: c.1393G>A, p.Ala465Thr (NM_001330589.2); short protein forms A465T.
Identifiers: ClinVar variation 2053556 (VCV002053556.3), dbSNP rs1368254719, ClinGen allele CA340395532.
Genomic context (GRCh38, chr1:53,211,067, plus strand): 5'-TGCGTCCAGTTTCAGAGAGGAGGCAAAGAATTCCTGAAGAAGCAAAAGCTGAGCCCTGAC[G>A]CAGTTGCCCAGCTGGCATTCCAGATGGCCTTCCTGCGGCAGTACGGGCAGACAGTGGCCA-3'
Protein context (NP_000089.1, residues 455-475): FLKKQKLSPD[Ala465Thr]VAQLAFQMAF